The following is an entry in ClinVar:

ClinVar aggregate classification (germline): Uncertain significance (1 of 4 stars; one submission).

Conditions:
Glycogen storage disease, type II (IOPD). Also called: CARDIOMEGALIA GLYCOGENICA DIFFUSA; GLYCOGENOSIS, GENERALIZED, CARDIAC FORM; GSD II; POMPE DISEASE, INFANTILE-ONSET; GLYCOGEN STORAGE DISEASE II, INFANTILE-ONSET; ACID ALPHA-GLUCOSIDASE DEFICIENCY, INFANTILE-ONSET. Identifiers: Orphanet 365, MedGen C0017921, MONDO:0009290, OMIM 232300.

Submission:

Labcorp Genetics (formerly Invitae), Labcorp
Classification: Uncertain significance for Glycogen storage disease, type II. Last evaluated: 2017-11-16. Review status: criteria provided, single submitter. Criteria: Invitae Variant Classification Sherloc (09022015). Collection method: clinical testing. Allele origin: germline.
Comment: In summary, the available evidence is currently insufficient to determine the role of this variant in disease. Therefore, it has been classified as a Variant of Uncertain Significance. Algorithms developed to predict the effect of missense changes on protein structure and function do not agree on the potential impact of this missense change (SIFT: "Tolerated"; PolyPhen-2: "Possibly Damaging"; Align-GVGD: "Class C0"). This variant has not been reported in the literature in individuals with GAA-related disease. This variant is not present in population databases (ExAC no frequency). This sequence change replaces serine with isoleucine at codon 448 of the GAA protein (p.Ser448Ile). The serine residue is moderately conserved and there is a large physicochemical difference between serine and isoleucine.

NM_000152.5(GAA):c.1343G>T (p.Ser448Ile)

Gene: GAA (alpha glucosidase; plus strand). Cytogenetic location: 17q25.3.
Variant type: single nucleotide variant.
Coding change: c.1343G>T on transcript NM_000152.5 (MANE Select); coding-DNA position 1343, G replaced by T.
Protein change: p.Ser448Ile; replaces serine 448 with isoleucine.
Molecular consequence: missense variant.
Genome position (GRCh38, 1-based): chr17:80,109,961, G>T. VCF-style: chr17-80109961-G-T. GRCh37 (hg19) VCF-style: chr17-78083760-G-T.
Other names: c.1343G>T (LRG_673t1); c.1343G>T, p.Ser448Ile (NM_001079803.3, NM_001079804.3); short protein forms S448I.
Identifiers: ClinVar variation 526536 (VCV000526536.9), dbSNP rs145712232, ClinGen allele CA401366286.
Genomic context (GRCh38, chr17:80,109,961, plus strand): 5'-GGGCTCTGGGCCACCCTCACCTTGACAGGTTTCCCTCTTCCCAGGATCCTGCCATCAGCA[G>T]CTCGGGCCCTGCCGGGAGCTACAGGCCCTACGACGAGGGTCTGCGGAGGGGGGTTTTCAT-3'
Protein context (NP_000143.2, residues 438-458): YMMIVDPAIS[Ser448Ile]SGPAGSYRPY